The following is an entry in ClinVar:

NM_207111.4(RNF216):c.632A>G (p.Asn211Ser)

Gene: RNF216 (ring finger protein 216; minus strand). Cytogenetic location: 7p22.1.
Variant type: single nucleotide variant.
Coding change: c.632A>G on transcript NM_207111.4 (MANE Select); coding-DNA position 632, A replaced by G.
Protein change: p.Asn211Ser; replaces asparagine 211 with serine.
Molecular consequence: missense variant.
Genome position (GRCh38, 1-based): chr7:5,741,385, T>C on the plus strand (A>G on the coding strand, the complement: RNF216 is on the minus strand). VCF-style: chr7-5741385-T-C. GRCh37 (hg19) VCF-style: chr7-5781016-T-C.
Other names: c.461A>G, p.Asn154Ser (NM_001377156.1, NM_207116.3); short protein forms N154S, N211S.
Identifiers: ClinVar variation 2171632 (VCV002171632.1), dbSNP rs373416089, ClinGen allele CA4148493.

ClinVar aggregate classification (germline): Uncertain significance (1 of 4 stars; one submission).

Allele frequency attached by ClinVar (database versions not stated): ESP Exome Variant Server 0.00008; gnomAD 0.00010; TOPMed 0.00011; gnomAD exomes 0.00017; ExAC 0.00020.
gnomAD v4.1: 260 of 1,614,118 alleles (0.016%); highest among the groups gnomAD compares: Admixed American, 0.057%; no homozygotes.

Submission:

Labcorp Genetics (formerly Invitae), Labcorp
Classification: Uncertain significance. Last evaluated: 2021-09-17. Review status: criteria provided, single submitter. Criteria: Invitae Variant Classification Sherloc (09022015). Collection method: clinical testing. Allele origin: germline.
Comment: This sequence change replaces asparagine with serine at codon 211 of the RNF216 protein (p.Asn211Ser). The asparagine residue is highly conserved and there is a small physicochemical difference between asparagine and serine. This variant is present in population databases (rs373416089, ExAC 0.2%). This variant has not been reported in the literature in individuals affected with RNF216-related conditions. Algorithms developed to predict the effect of missense changes on protein structure and function (SIFT, PolyPhen-2, Align-GVGD) all suggest that this variant is likely to be tolerated. In summary, the available evidence is currently insufficient to determine the role of this variant in disease. Therefore, it has been classified as a Variant of Uncertain Significance.